The following is an entry in ClinVar:

NM_000071.3(CBS):c.435G>A (p.Pro145=)

Gene: CBS (cystathionine beta-synthase; minus strand). Cytogenetic location: 21q22.3.
Variant type: single nucleotide variant.
Coding change: c.435G>A on transcript NM_000071.3 (MANE Select); coding-DNA position 435, G replaced by A.
Protein change: p.Pro145=; no amino-acid change (proline 145 retained).
Molecular consequence: synonymous variant.
Genome position (GRCh38, 1-based): chr21:43,066,259, C>T on the plus strand (G>A on the coding strand, the complement: CBS is on the minus strand). VCF-style: chr21-43066259-C-T. GRCh37 (hg19) VCF-style: chr21-44486369-C-T.
Other names: c.435G>A, p.Pro145= (NM_001178008.3, NM_001178009.3, NM_001320298.2); c.120G>A, p.Pro40= (NM_001321072.1).
Identifiers: ClinVar variation 92425 (VCV000092425.27), dbSNP rs148782895, ClinGen allele CA220355.

ClinVar aggregate classification (germline): Conflicting classifications of pathogenicity. Review status: criteria provided, conflicting classifications (1 of 4 stars). 6 submissions from 6 submitters: Uncertain significance (1); Likely benign (4). 1 of the submissions does not count toward it. Last evaluated 2025-09-01.

Conditions:
HYPERHOMOCYSTEINEMIA, THROMBOTIC, CBS-RELATED. Identifiers: MedGen C3150344, OMIM 236200.
Familial thoracic aortic aneurysm and aortic dissection (TAAD). Also called: Thoracic aortic aneurysms and dissections. Identifiers: Orphanet 91387, MedGen C4707243, MONDO:0019625.
Classic homocystinuria. Also called: HOMOCYSTINURIA WITH OR WITHOUT RESPONSE TO PYRIDOXINE; Homocystinuria due to Cystathionine Beta-Synthase Deficiency; Homocystinuria due to CBS deficiency; Cystathionine beta-synthase deficiency; CBS deficiency. Identifiers: Orphanet 394, MedGen C0751202, MONDO:0009352, OMIM 236200.

Allele frequency attached by ClinVar (database versions not stated): gnomAD exomes 0.00001 and 0.00003; ExAC 0.00002; gnomAD 0.00003; ESP Exome Variant Server 0.00008.

Submissions (6):

CeGaT Center for Human Genetics Tuebingen
Classification: Likely benign. Last evaluated: 2025-09-01. Review status: criteria provided, single submitter. Criteria: CeGaT Center For Human Genetics Tuebingen Variant Classification Criteria Version 2. Collection method: clinical testing. Allele origin: germline. Affected: yes. Observed: 1 variant allele.
Comment: CBS: BP4, BP7

Women's Health and Genetics/Laboratory Corporation of America, LabCorp
Classification: Likely benign. Last evaluated: 2024-07-28. Review status: criteria provided, single submitter. Criteria: LabCorp Variant Classification Summary - May 2015. Collection method: clinical testing. Allele origin: germline.

Labcorp Genetics (formerly Invitae), Labcorp
Classification: Likely benign for HYPERHOMOCYSTEINEMIA, THROMBOTIC, CBS-RELATED. Last evaluated: 2024-02-05. Review status: criteria provided, single submitter. Criteria: Invitae Variant Classification Sherloc (09022015). Collection method: clinical testing. Allele origin: germline.

Ambry Genetics
Classification: Likely benign for Familial thoracic aortic aneurysm and aortic dissection. Last evaluated: 2023-07-27. Review status: criteria provided, single submitter. Criteria: Ambry Variant Classification Scheme 2023. Collection method: clinical testing. Allele origin: germline.

Eurofins Ntd Llc (ga)
Classification: Uncertain significance. Last evaluated: 2013-05-24. Review status: criteria provided, single submitter. Criteria: EGL Classification Definitions 2015. Collection method: clinical testing. Allele origin: germline. Observed: 1 variant allele, 1 heterozygote.

Natera, Inc.
Classification: Likely benign for Homocystinuria due to cystathionine beta-synthase deficiency. Last evaluated: 2020-09-16. Review status: no assertion criteria provided. Collection method: clinical testing. Allele origin: germline. Not counted in ClinVar's aggregate classification.